The following is an entry in ClinVar:

ClinVar aggregate classification (germline): Uncertain significance (1 of 4 stars; one submission).

Conditions:
Orofaciodigital syndrome type 14. Also called: Orofaciodigital syndrome xiv. Identifiers: Orphanet 434179, MedGen C4706604, MONDO:0014413, OMIM 615948.

Submission:

Broad Center for Mendelian Genomics, Broad Institute of MIT and Harvard
Classification: Uncertain significance for Orofaciodigital syndrome type 14. Last evaluated: 2022-05-04. Review status: criteria provided, single submitter. Criteria: ACMG Guidelines, 2015. Collection method: curation. Allele origin: germline. Inheritance: Autosomal recessive inheritance.
Comment: The variant has not been previously reported in individuals with orofaciodigital syndrome type 14 and was absent from large population studies. Computational prediction tools, including splice predictors, and conservation analyses suggest that this variant may not impact the protein, though this information is not predictive enough to rule out pathogenicity. In summary, the clinical significance of the p.Val1323Phe variant is uncertain. ACMG/AMP Criteria applied: PM2, BP4, PM3_supporting (Richards 2015).

NM_001286577.2(C2CD3):c.3967G>T (p.Val1323Phe)

Gene: C2CD3 (C2 domain containing 3 centriole elongation regulator; minus strand). Cytogenetic location: 11q13.4.
Variant type: single nucleotide variant.
Coding change: c.3967G>T on transcript NM_001286577.2 (MANE Select); coding-DNA position 3967, G replaced by T.
Protein change: p.Val1323Phe; replaces valine 1323 with phenylalanine.
Molecular consequence: missense variant.
Genome position (GRCh38, 1-based): chr11:74,084,914, C>A on the plus strand (G>T on the coding strand, the complement: C2CD3 is on the minus strand). VCF-style: chr11-74084914-C-A. GRCh37 (hg19) VCF-style: chr11-73795959-C-A.
Other names: NM_015531.6:c.3967G>T; c.3967G>T, p.Val1323Phe (NM_015531.6); short protein forms V1323F.
Identifiers: ClinVar variation 1679843 (VCV001679843.1), dbSNP rs1955571784, ClinGen allele CA381820067.